The following is an entry in ClinVar:

ClinVar aggregate classification (germline): Uncertain significance. Review status: criteria provided, multiple submitters, no conflicts (2 of 4 stars). 2 submissions from 2 submitters: Uncertain significance (2). Last evaluated 2026-06-23.

Conditions:
Inborn genetic diseases. Identifiers: MedGen C0950123, MeSH D030342.

Allele frequency attached by ClinVar (database versions not stated): gnomAD 0.00001; TOPMed below 0.00001.
gnomAD v4.1: 6 of 1,613,554 alleles (0.00037%); highest among the groups gnomAD compares: African/African-American, 0.0053%; no homozygotes.

Submissions (2):

Ambry Genetics
Classification: Uncertain significance for Inborn genetic diseases. Last evaluated: 2026-06-23. Review status: criteria provided, single submitter. Criteria: Ambry Variant Classification Scheme 2023. Collection method: clinical testing. Allele origin: germline.

GeneDx
Classification: Uncertain significance. Last evaluated: 2023-03-25. Review status: criteria provided, single submitter. Criteria: GeneDx Variant Classification Process June 2021. Collection method: clinical testing. Allele origin: germline. Affected: yes.
Comment: Not observed at significant frequency in large population cohorts (gnomAD); In silico analysis supports that this missense variant does not alter protein structure/function; Has not been previously published as pathogenic or benign to our knowledge

NM_003024.3(ITSN1):c.2314G>A (p.Glu772Lys)

Gene: ITSN1 (intersectin 1; plus strand). Cytogenetic location: 21q22.11.
Variant type: single nucleotide variant.
Coding change: c.2314G>A on transcript NM_003024.3 (MANE Select); coding-DNA position 2314, G replaced by A.
Protein change: p.Glu772Lys; replaces glutamic acid 772 with lysine.
Molecular consequence: missense variant. On other transcripts: intron variant (4).
Genome position (GRCh38, 1-based): chr21:33,802,439, G>A. VCF-style: chr21-33802439-G-A. GRCh37 (hg19) VCF-style: chr21-35174743-G-A.
Other names: c.2314G>A, p.Glu772Lys (NM_001001132.2, NM_001331008.2); c.2304+2510G>A (NM_001331010.2, NM_001331009.2, NM_001331011.2); c.2193+2510G>A (NM_001331012.2); short protein forms E772K.
Identifiers: ClinVar variation 2580471 (VCV002580471.2), dbSNP rs898961805, ClinGen allele CA320199039.
Genomic context (GRCh38, chr21:33,802,439, plus strand): 5'-CATTAAACATATATTTTGCCTTGCTTTCAAACCTTTGCTTTCCTGGTGGAGGTTAAAGGG[G>A]AATGGGTAAGTGTTGCCTAACTGTCAGGAAGTCTGCATCTTATTCAATGTTTTGTCCTTT-3'
Protein context (NP_003015.2, residues 762-782): QPGDIVMVKG[Glu772Lys]WVDESQTGEP